The following is an entry in ClinVar:

NM_001134771.2(SLC12A5):c.78T>G (p.His26Gln)

Genes: SLC12A5 (solute carrier family 12 member 5; plus strand), SLC12A5-AS1 (SLC12A5 and MMP9 antisense RNA 1; minus strand), LOC130065980 (ATAC-STARR-seq lymphoblastoid silent region 12971; plus strand). Cytogenetic location: 20q13.12.
Variant type: single nucleotide variant.
Coding change: c.78T>G on transcript NM_001134771.2; coding-DNA position 78, T replaced by G.
Protein change: p.His26Gln; replaces histidine 26 with glutamine.
Molecular consequence: missense variant. On other transcripts: non-coding transcript variant (1).
Genome position (GRCh38, 1-based): chr20:46,021,843, T>G. VCF-style: chr20-46021843-T-G. GRCh37 (hg19) VCF-style: chr20-44650482-T-G.
Other names: short protein forms H26Q.
Identifiers: ClinVar variation 3389986 (VCV003389986.14).
Genomic context (GRCh38, chr20:46,021,843, plus strand): 5'-GGTCACCTCGCTGCCCCCCGCAGGGCCCGCCAGAAGCCCTGACCCAGAGTCCCGCCGGCA[T>G]TCGGTCGCAGACCCCCGCCACCTCCCGGGGGAAGACGTCAAAGGTAGAGGCCGCAGGGGG-3'

ClinVar aggregate classification (germline): Uncertain significance (1 of 4 stars; one submission).

Submission:

CeGaT Center for Human Genetics Tuebingen
Classification: Uncertain significance. Last evaluated: 2024-10-01. Review status: criteria provided, single submitter. Criteria: CeGaT Center For Human Genetics Tuebingen Variant Classification Criteria Version 2. Collection method: clinical testing. Allele origin: germline. Affected: yes. Observed: 1 variant allele.
Comment: SLC12A5: PM2